The following is an entry in ClinVar:

ClinVar aggregate classification (germline): Uncertain significance (1 of 4 stars; one submission).

gnomAD v4.1: 8 of 1,613,882 alleles (0.0005%); highest among the groups gnomAD compares: Non-Finnish European, 0.00068%; no homozygotes.

Submission:

Women's Health and Genetics/Laboratory Corporation of America, LabCorp
Classification: Uncertain significance. Last evaluated: 2026-04-15. Review status: criteria provided, single submitter. Criteria: LabCorp Variant Classification Summary - May 2015. Collection method: clinical testing. Allele origin: germline.
Comment: Variant summary: ASXL2 c.2270A>G (p.Lys757Arg) results in a conservative amino acid change in the encoded protein sequence. Algorithms developed to predict the effect of missense changes on protein structure and function all suggest that this variant is likely to be tolerated. The variant allele was found at a frequency of 4e-06 in 249242 control chromosomes. The available data on variant occurrences in the general population are insufficient to allow any conclusion about variant significance. To our knowledge, no occurrence of c.2270A>G in individuals affected with ASXL2-related conditions and no experimental evidence demonstrating its impact on protein function have been reported. No submitters have cited clinical-significance assessments for this variant to ClinVar. Based on the evidence outlined above, the variant was classified as uncertain significance.

NM_018263.6(ASXL2):c.2270A>G (p.Lys757Arg)

Gene: ASXL2 (ASXL transcriptional regulator 2; minus strand). Cytogenetic location: 2p23.3.
Variant type: single nucleotide variant.
Coding change: c.2270A>G on transcript NM_018263.6 (MANE Select); coding-DNA position 2270, A replaced by G.
Protein change: p.Lys757Arg; replaces lysine 757 with arginine.
Molecular consequence: missense variant.
Genome position (GRCh38, 1-based): chr2:25,744,067, T>C on the plus strand (A>G on the coding strand, the complement: ASXL2 is on the minus strand). VCF-style: chr2-25744067-T-C. GRCh37 (hg19) VCF-style: chr2-25966936-T-C.
Other names: c.2096A>G, p.Lys699Arg (NM_001369346.1); c.1490A>G, p.Lys497Arg (NM_001369347.1); short protein forms K497R, K699R, K757R.
Identifiers: ClinVar variation 4848545 (VCV004848545.1).